The following is an entry in ClinVar:

NM_001387844.1(PRRC2C):c.3702C>T (p.Pro1234=)

Gene: PRRC2C (proline rich coiled-coil 2C; plus strand). Cytogenetic location: 1q24.3.
Variant type: single nucleotide variant.
Coding change: c.3702C>T on transcript NM_001387844.1 (MANE Select); coding-DNA position 3702, C replaced by T.
Protein change: p.Pro1234=; no amino-acid change (proline 1234 retained).
Molecular consequence: synonymous variant.
Genome position (GRCh38, 1-based): chr1:171,541,168, C>T. VCF-style: chr1-171541168-C-T. GRCh37 (hg19) VCF-style: chr1-171510307-C-T.
Other names: c.3696C>T, p.Pro1232= (NM_015172.4).
Identifiers: ClinVar variation 2639555 (VCV002639555.24), dbSNP rs61814671, ClinGen allele CA1243066.

ClinVar aggregate classification (germline): Likely benign (1 of 4 stars; one submission).

Allele frequency attached by ClinVar (database versions not stated): 1000 Genomes Project 30x 0.00062; 1000 Genomes Project 0.00080; TOPMed 0.00236; ExAC 0.00242; gnomAD 0.00258; gnomAD exomes 0.00366; ESP Exome Variant Server 0.00415.

Submission:

CeGaT Center for Human Genetics Tuebingen
Classification: Likely benign. Last evaluated: 2022-10-01. Review status: criteria provided, single submitter. Criteria: CeGaT Center For Human Genetics Tuebingen Variant Classification Criteria Version 2. Collection method: clinical testing. Allele origin: germline. Affected: yes. Observed: 2 variant alleles.
Comment: PRRC2C: BP4, BP7